The following is an entry in ClinVar:

ClinVar aggregate classification (germline): Pathogenic (1 of 4 stars; one submission).

Conditions:
Muscular dystrophy-dystroglycanopathy (congenital with impaired intellectual development), type B, 1. Also called: MUSCULAR DYSTROPHY, CONGENITAL, POMT1-RELATED; Muscular dystrophy-dystroglycanopathy (congenital with intellectual disability), type B1. Identifiers: MedGen C5436962, MONDO:0013159, OMIM 613155.
Walker-Warburg congenital muscular dystrophy. Also called: Muscular dystrophy-dystroglycanopathy, type A; Walker-Warburg syndrome. Identifiers: Orphanet 899, MedGen C0265221, MONDO:0000171.
Autosomal recessive limb-girdle muscular dystrophy type 2K. Also called: MUSCULAR DYSTROPHY-DYSTROGLYCANOPATHY (LIMB-GIRDLE), TYPE C, 1; MUSCULAR DYSTROPHY, LIMB-GIRDLE, TYPE 2K. Identifiers: Orphanet 86812, MedGen C1836373, MONDO:0012248, OMIM 609308.

Submission:

Labcorp Genetics (formerly Invitae), Labcorp
Classification: Pathogenic for Muscular dystrophy-dystroglycanopathy (congenital with impaired intellectual development), type B, 1; Walker-Warburg congenital muscular dystrophy; Autosomal recessive limb-girdle muscular dystrophy type 2K. Last evaluated: 2024-07-31. Review status: criteria provided, single submitter. Criteria: Invitae Variant Classification Sherloc (09022015). Collection method: clinical testing. Allele origin: germline.
Comment: This sequence change creates a premature translational stop signal (p.Ile147Serfs*6) in the POMT1 gene. It is expected to result in an absent or disrupted protein product. Loss-of-function variants in POMT1 are known to be pathogenic (PMID: 12369018, 15637732, 16575835). This variant is present in population databases (no rsID available, gnomAD 0.007%). This variant has not been reported in the literature in individuals affected with POMT1-related conditions. For these reasons, this variant has been classified as Pathogenic.

Literature cited by the submitters: PubMed 12369018; PubMed 15637732; PubMed 16575835.

NM_001077365.2(POMT1):c.439del (p.Ile147fs)

Gene: POMT1 (protein O-mannosyltransferase 1; plus strand). Cytogenetic location: 9q34.13.
Variant type: Deletion.
Coding change: c.439del on transcript NM_001077365.2 (MANE Select); coding-DNA position 439, one base deleted (A; older notation c.439delA).
Protein change: p.Ile147fs; shifts the reading frame from isoleucine 147.
Molecular consequence: frameshift variant. On other transcripts: 5 prime UTR variant (3), non-coding transcript variant (8).
Genome position (GRCh38, 1-based): chr9:131,508,922, A deleted. VCF-style (leftmost placement, unchanged base first): chr9-131508921-CA-C. GRCh37 (hg19) VCF-style: chr9-134384308-CA-C.
Other names: c.277del, p.Ile93fs (NM_001077366.2, NM_001353194.2, NM_001353197.2 and 3 more transcripts); c.439del, p.Ile147fs (NM_001136113.2, NM_001353193.2, NM_001374690.1 and 1 more transcripts); c.88del, p.Ile30fs (NM_001136114.2, NM_001353195.2, NM_001353199.2 and 2 more transcripts); c.349del, p.Ile117fs (NM_001353196.2); c.-18del (NM_001353200.2, NM_001374695.1); c.-698del (NM_001411024.1); short protein forms I117fs, I147fs, I30fs, I93fs.
Identifiers: ClinVar variation 3749609 (VCV003749609.2).
Genomic context (GRCh38, chr9:131,508,921, plus strand): 5'-CGTTTTCCCTTGCTACCTTAAAATTGACATGTGTTTCCTCTTTGAAACAGAGAATGCTCT[CA>C]TCACTCAGTCAAGGCTAATGCTTTTGGAATCAGTGTTAATATTTTTCAATCTATTGGCCG-3'